The following is an entry in ClinVar:

NM_012470.4(TNPO3):c.2599-6A>G

Gene: TNPO3 (transportin 3; minus strand). Cytogenetic location: 7q32.1.
Variant type: single nucleotide variant.
Coding change: c.2599-6A>G on transcript NM_012470.4 (MANE Select); 6 bases into the intron before coding-DNA position 2599, A replaced by G.
Molecular consequence: intron variant.
Genome position (GRCh38, 1-based): chr7:128,967,398, T>C on the plus strand (A>G on the coding strand, the complement: TNPO3 is on the minus strand). VCF-style: chr7-128967398-T-C. GRCh37 (hg19) VCF-style: chr7-128607452-T-C.
Other names: c.2455-6A>G (NM_001382221.1); c.2452-6A>G (NM_001382222.1); c.2491-6A>G (NM_001382219.1); c.2407-6A>G (NM_001382223.1, NM_001191028.3); c.2458-6A>G (NM_001382220.1); c.2599-6A>G (NM_001382218.1); c.2701-6A>G (NM_001382216.1); c.2680-6A>G (NM_001382217.1).
Identifiers: ClinVar variation 286140 (VCV000286140.16), dbSNP rs374776250, ClinGen allele CA4477827.

ClinVar aggregate classification (germline): Conflicting classifications of pathogenicity. Review status: criteria provided, conflicting classifications (1 of 4 stars). 4 submissions from 4 submitters: Uncertain significance (1); Likely benign (2). 1 of the submissions does not count toward it. Last evaluated 2026-01-27.

Conditions:
TNPO3-related disorder. Also called: TNPO3-related condition.
Autosomal dominant limb-girdle muscular dystrophy type 1F (LGMDD2). Also called: Limb-girdle muscular dystrophy, type 1F; MUSCULAR DYSTROPHY, LIMB-GIRDLE, AUTOSOMAL DOMINANT 2. Identifiers: Orphanet 55595, MedGen C1842062, MONDO:0012034, OMIM 608423.

Allele frequency attached by ClinVar (database versions not stated): gnomAD 0.00005 and 0.00006; TOPMed 0.00005; ESP Exome Variant Server 0.00015.
gnomAD v4.1: 146 of 1,588,588 alleles (0.0092%); highest among the groups gnomAD compares: Non-Finnish European, 0.011%; no homozygotes.

Submissions (4):

Labcorp Genetics (formerly Invitae), Labcorp
Classification: Likely benign for Autosomal dominant limb-girdle muscular dystrophy type 1F. Last evaluated: 2026-01-27. Review status: criteria provided, single submitter. Criteria: Invitae Variant Classification Sherloc (09022015). Collection method: clinical testing. Allele origin: germline.

Blueprint Genetics
Classification: Likely benign. Last evaluated: 2023-11-09. Review status: criteria provided, single submitter. Criteria: ACMG Guidelines, 2015. Collection method: clinical testing. Allele origin: germline.

Eurofins Ntd Llc (ga)
Classification: Uncertain significance. Last evaluated: 2016-02-11. Review status: criteria provided, single submitter. Criteria: EGL Classification Definitions 2015. Collection method: clinical testing. Allele origin: germline. Observed: 1 variant allele, 1 heterozygote.

PreventionGenetics, part of Exact Sciences
Classification: Likely benign for TNPO3-related condition. Last evaluated: 2024-05-06. Review status: no assertion criteria provided. Collection method: clinical testing. Allele origin: germline. Not counted in ClinVar's aggregate classification.
Comment: This variant is classified as likely benign based on ACMG/AMP sequence variant interpretation guidelines (Richards et al. 2015 PMID: 25741868, with internal and published modifications).